The following is an entry in ClinVar:

NM_015102.5(NPHP4):c.201C>G (p.Tyr67Ter)

Gene: NPHP4 (nephrocystin 4; minus strand). Cytogenetic location: 1p36.31.
Variant type: single nucleotide variant.
Coding change: c.201C>G on transcript NM_015102.5 (MANE Select); coding-DNA position 201, C replaced by G.
Protein change: p.Tyr67Ter; replaces tyrosine 67 with a stop codon.
Molecular consequence: nonsense. On other transcripts: 5 prime UTR variant (1), non-coding transcript variant (1), intron variant (1).
Genome position (GRCh38, 1-based): chr1:5,978,348, G>C on the plus strand (C>G on the coding strand, the complement: NPHP4 is on the minus strand). VCF-style: chr1-5978348-G-C. GRCh37 (hg19) VCF-style: chr1-6038408-G-C.
Other names: c.-1029C>G (NM_001291593.2); c.-1087-9089C>G (NM_001291594.2); short protein forms Y67*.
Identifiers: ClinVar variation 5006933 (VCV005006933.2).

ClinVar aggregate classification (germline): Likely pathogenic (1 of 4 stars; one submission).

Conditions:
Senior-Loken syndrome 4 (SLSN4). Identifiers: Orphanet 3156, MedGen C1846979, MONDO:0011756, OMIM 606996.
Nephronophthisis 4 (NPHP4). Also called: NEPHRONOPHTHISIS 4, JUVENILE. Identifiers: Orphanet 655, MedGen C1847013, MONDO:0011752, OMIM 606966.

Submission:

Juno Genomics, Hangzhou Juno Genomics, Inc
Classification: Likely pathogenic for Nephronophthisis 4; Senior-Loken syndrome 4. Review status: criteria provided, single submitter. Criteria: ACMG Guidelines, 2015. Collection method: clinical testing. Allele origin: germline.
Comment: Null variant in a gene where loss of function (LOF) is a known mechanism of disease.;Absent from controls (or at extremely low frequency if recessive) in Genome Aggregation Database.